The following is an entry in ClinVar:

NM_001184.4(ATR):c.384T>G (p.Cys128Trp)

Gene: ATR (ATR checkpoint kinase; minus strand). Cytogenetic location: 3q23.
Variant type: single nucleotide variant.
Coding change: c.384T>G on transcript NM_001184.4 (MANE Select); coding-DNA position 384, T replaced by G.
Protein change: p.Cys128Trp; replaces cysteine 128 with tryptophan.
Molecular consequence: missense variant.
Genome position (GRCh38, 1-based): chr3:142,563,018, A>C on the plus strand (T>G on the coding strand, the complement: ATR is on the minus strand). VCF-style: chr3-142563018-A-C. GRCh37 (hg19) VCF-style: chr3-142281860-A-C.
Other names: c.384T>G, p.Cys128Trp (NM_001354579.2); short protein forms C128W.
Identifiers: ClinVar variation 1016891 (VCV001016891.10), dbSNP rs754728006, ClinGen allele CA2650774.

ClinVar aggregate classification (germline): Uncertain significance. Review status: criteria provided, multiple submitters, no conflicts (2 of 4 stars). 4 submissions from 3 submitters: Uncertain significance (4). Last evaluated 2024-10-29.

Conditions:
Familial cutaneous telangiectasia and oropharyngeal predisposition cancer syndrome. Identifiers: Orphanet 313846, MedGen C3281203, MONDO:0013806, OMIM 614564.
Seckel syndrome 1 (SCKL1). Also called: MICROCEPHALIC PRIMORDIAL DWARFISM I. Identifiers: Orphanet 808, MedGen C4551474, MONDO:0008869, OMIM 210600.
Inborn genetic diseases. Identifiers: MedGen C0950123, MeSH D030342.

Allele frequency attached by ClinVar (database versions not stated): gnomAD exomes below 0.00001; ExAC 0.00001; TOPMed 0.00001.
gnomAD v4.1: 1 of 1,600,164 alleles (0.000062%); highest among the groups gnomAD compares: Non-Finnish European, 0.000085%; no homozygotes.

Submissions (4):

Labcorp Genetics (formerly Invitae), Labcorp
Classification: Uncertain significance. Last evaluated: 2024-10-29. Review status: criteria provided, single submitter. Criteria: Invitae Variant Classification Sherloc (09022015). Collection method: clinical testing. Allele origin: germline.
Comment: This sequence change replaces cysteine, which is neutral and slightly polar, with tryptophan, which is neutral and slightly polar, at codon 128 of the ATR protein (p.Cys128Trp). This variant is present in population databases (rs754728006, gnomAD 0.0009%). This variant has not been reported in the literature in individuals affected with ATR-related conditions. ClinVar contains an entry for this variant (Variation ID: 1016891). An algorithm developed to predict the effect of missense changes on protein structure and function (PolyPhen-2) suggests that this variant is likely to be disruptive. In summary, the available evidence is currently insufficient to determine the role of this variant in disease. Therefore, it has been classified as a Variant of Uncertain Significance.

Genome-Nilou Lab
Classification: Uncertain significance for Seckel syndrome 1. Last evaluated: 2023-02-08. Review status: criteria provided, single submitter. Criteria: ACMG Guidelines, 2015. Collection method: clinical testing. Allele origin: germline.

Genome-Nilou Lab
Classification: Uncertain significance for Familial cutaneous telangiectasia and oropharyngeal predisposition cancer syndrome. Last evaluated: 2023-02-08. Review status: criteria provided, single submitter. Criteria: ACMG Guidelines, 2015. Collection method: clinical testing. Allele origin: germline.

Ambry Genetics
Classification: Uncertain significance for Inborn genetic diseases. Last evaluated: 2022-08-29. Review status: criteria provided, single submitter. Criteria: Ambry Variant Classification Scheme 2023. Collection method: clinical testing. Allele origin: germline.
Comment: The p.C128W variant (also known as c.384T>G), located in coding exon 4 of the ATR gene, results from a T to G substitution at nucleotide position 384. The cysteine at codon 128 is replaced by tryptophan, an amino acid with highly dissimilar properties. This amino acid position is conserved. In addition, this alteration is predicted to be tolerated by in silico analysis. Since supporting evidence is limited at this time, the clinical significance of this alteration remains unclear.